The following is an entry in ClinVar:

NM_001081.4(CUBN):c.6211A>G (p.Ile2071Val)

Gene: CUBN (cubilin; minus strand). Cytogenetic location: 10p13.
Variant type: single nucleotide variant.
Coding change: c.6211A>G on transcript NM_001081.4 (MANE Select); coding-DNA position 6211, A replaced by G.
Protein change: p.Ile2071Val; replaces isoleucine 2071 with valine.
Molecular consequence: missense variant.
Genome position (GRCh38, 1-based): chr10:16,928,217, T>C on the plus strand (A>G on the coding strand, the complement: CUBN is on the minus strand). VCF-style: chr10-16928217-T-C. GRCh37 (hg19) VCF-style: chr10-16970216-T-C.
Other names: c.6211A>G (NM_001081.3); short protein forms I2071V.
Identifiers: ClinVar variation 1478369 (VCV001478369.9), dbSNP rs567146793, ClinGen allele CA5423765.

ClinVar aggregate classification (germline): Conflicting classifications of pathogenicity. Review status: criteria provided, conflicting classifications (1 of 4 stars). 4 submissions from 4 submitters: Uncertain significance (3); Likely benign (1). Last evaluated 2025-09-24.

Conditions:
Proteinuria, chronic benign. Identifiers: MedGen C5394384, MONDO:0030042, OMIM 618884.
Imerslund-Grasbeck syndrome type 1 (IGS1). Also called: MEGALOBLASTIC ANEMIA, 1; Imerslund-Gräsbeck syndrome 1; Megaloblastic anemia 1, Finnish type. Identifiers: MedGen C4016819, MONDO:0100156, OMIM 261100.
Imerslund-Grasbeck syndrome. Also called: Imerslund-Gräsbeck syndrome; PERNICIOUS ANEMIA, JUVENILE, DUE TO SELECTIVE INTESTINAL MALABSORPTION OF VITAMIN B12, WITH PROTEINURIA; Megaloblastic anemia due to inborn errors of metabolism; ENTEROCYTE COBALAMIN MALABSORPTION; ENTEROCYTE INTRINSIC FACTOR RECEPTOR, DEFECT OF. Identifiers: Orphanet 35858, MedGen C4551825, MONDO:0009853.
Inborn genetic diseases. Identifiers: MedGen C0950123, MeSH D030342.

Allele frequency attached by ClinVar (database versions not stated): gnomAD 0.00001 and 0.00003; gnomAD exomes 0.00001 and 0.00008; TOPMed 0.00005; ExAC 0.00009; 1000 Genomes Project 30x 0.00016; 1000 Genomes Project 0.00020.
gnomAD v4.1: 19 of 1,614,038 alleles (0.0012%); highest among the groups gnomAD compares: East Asian, 0.042%; no homozygotes.

Submissions (4):

Labcorp Genetics (formerly Invitae), Labcorp
Classification: Uncertain significance for Imerslund-Grasbeck syndrome. Last evaluated: 2025-09-24. Review status: criteria provided, single submitter. Criteria: Invitae Variant Classification Sherloc (09022015). Collection method: clinical testing. Allele origin: germline.
Comment: This sequence change replaces isoleucine, which is neutral and non-polar, with valine, which is neutral and non-polar, at codon 2071 of the CUBN protein (p.Ile2071Val). This variant is present in population databases (rs567146793, gnomAD 0.1%). This variant has not been reported in the literature in individuals affected with CUBN-related conditions. ClinVar contains an entry for this variant (Variation ID: 1478369). Invitae Evidence Modeling of protein sequence and biophysical properties (such as structural, functional, and spatial information, amino acid conservation, physicochemical variation, residue mobility, and thermodynamic stability) indicates that this missense variant is not expected to disrupt CUBN protein function with a negative predictive value of 80%. In summary, the available evidence is currently insufficient to determine the role of this variant in disease. Therefore, it has been classified as a Variant of Uncertain Significance.

Ambry Genetics
Classification: Likely benign for Inborn genetic diseases. Last evaluated: 2025-04-02. Review status: criteria provided, single submitter. Criteria: Ambry Variant Classification Scheme 2023. Collection method: clinical testing. Allele origin: germline.

Blueprint Genetics
Classification: Uncertain significance. Last evaluated: 2022-09-07. Review status: criteria provided, single submitter. Criteria: ACMG Guidelines, 2015. Collection method: clinical testing. Allele origin: germline.

Fulgent Genetics
Classification: Uncertain significance for Imerslund-Grasbeck syndrome type 1; Proteinuria, chronic benign. Last evaluated: 2022-01-11. Review status: criteria provided, single submitter. Criteria: ACMG Guidelines, 2015. Collection method: clinical testing. Allele origin: unknown.